The following is an entry in ClinVar:

NM_000138.5(FBN1):c.2687G>T (p.Cys896Phe)

Gene: FBN1 (fibrillin 1; minus strand). Cytogenetic location: 15q21.1.
Variant type: single nucleotide variant.
Coding change: c.2687G>T on transcript NM_000138.5 (MANE Select); coding-DNA position 2687, G replaced by T.
Protein change: p.Cys896Phe; replaces cysteine 896 with phenylalanine.
Molecular consequence: missense variant.
Genome position (GRCh38, 1-based): chr15:48,494,245, C>A on the plus strand (G>T on the coding strand, the complement: FBN1 is on the minus strand). VCF-style: chr15-48494245-C-A. GRCh37 (hg19) VCF-style: chr15-48786442-C-A.
Other names: c.2687G>T, p.Cys896Phe (NM_001406716.1); short protein forms C896F.
Identifiers: ClinVar variation 3376563 (VCV003376563.3).
Genomic context (GRCh38, chr15:48,494,245, plus strand): 5'-TATAAGTAATCAGAAATACCTTCACATTGTGTTCCTTTAATTCTTGAGTACCCTTTACCA[C>A]ATATGGGATCTGTAATAAAAAGCGAAAAACAAAACAGAAAACAAATTTGAGATAACAATA-3'
Protein context (NP_000129.3, residues 886-906): PCTLCQVDPI[Cys896Phe]GKGYSRIKGT

ClinVar aggregate classification (germline): Pathogenic (1 of 4 stars; one submission).

Conditions:
Marfan syndrome (MFS). Also called: MARFAN SYNDROME, TYPE I; Marfan syndrome type 1; Marfan's syndrome; FBN1-Related Marfan Syndrome; Marfan syndrome, classic. Identifiers: Orphanet 284963, Orphanet 558, MedGen C0024796, MONDO:0007947, OMIM 154700.

Submission:

Victorian Clinical Genetics Services, Murdoch Childrens Research Institute
Classification: Pathogenic for Marfan syndrome. Last evaluated: 2025-07-09. Review status: criteria provided, single submitter. Criteria: ACMG Guidelines, 2015. Collection method: clinical testing. Allele origin: germline. Affected: yes.
Comment: This variant is classified as Pathogenic. Evidence in support of pathogenic classification: Variant is absent from gnomAD (v2, v3 and v4); Other missense variant(s) comparable to the one identified in this case have very strong previous evidence for pathogenicity. Many alternative amino acid changes at this residue have been classified as likely pathogenic and pathogenic by clinical laboratories in ClinVar, and once as a VUS. These alternative changes have also been reported in the literature and in databases in individuals with FBN1-related features including ectopia lentis and aortic root dilatation (database; PMIDs: 38190127, 40496209, 39379624); Variant is located in the well-established functional TB4 domain, affecting an essential cysteine residue involved in a disulphide bond (DECIPHER, UniProt; PMIDs: 1301946, 10486319, 31227806); Missense variant predicted to be damaging by in silico tool(s) or highly conserved with a major amino acid change. Additional information: Variant is predicted to result in a missense amino acid change from cysteine to phenylalanine; This variant is heterozygous; This gene is predominantly associated with autosomal dominant disease; autosomal recessive forms of Marfan syndrome have rarely been reported (PMID: 27274304; 31950671); This variant has no previous evidence of pathogenicity; No published functional evidence has been identified for this variant; Dominant negative and loss of function are known mechanisms of disease in this gene and are associated with FBN1-related disease. Variants predicted to result in nonsense mediated decay cause loss of function effects, and are more commonly associated with severe Marfan syndrome (MIM#154700). Missense variants with both dominant negative and loss of function effects on protein function, are associated with Marfan syndrome and ectopia lentis (MIM#129600) (OMIM, PMID: 29357934). The exact genotype-phenotype correlation for this gene is still unclear, and is compounded by variable expressivity (PMID: 20301510); Variants in this gene are known to have variable expressivity. The genotype-phenotype correlations for this gene are unclear, with single variants reported in patients with a range of phenotypes (PMID: 20301510, OMIM).

Literature cited by the submitters: PubMed 27274304; PubMed 31227806; PubMed 39379624; PubMed 1301946; PubMed 38190127; PubMed 20301510; PubMed 29357934; PubMed 10486319; PubMed 40496209.